The following is an entry in ClinVar:

NM_001199267.2(DGKZ):c.1343A>C (p.Asn448Thr)

Gene: DGKZ (diacylglycerol kinase zeta; plus strand). Cytogenetic location: 11p11.2.
Variant type: single nucleotide variant.
Coding change: c.1343A>C on transcript NM_001199267.2 (MANE Select); coding-DNA position 1343, A replaced by C.
Protein change: p.Asn448Thr; replaces asparagine 448 with threonine.
Molecular consequence: missense variant.
Genome position (GRCh38, 1-based): chr11:46,374,176, A>C. VCF-style: chr11-46374176-A-C. GRCh37 (hg19) VCF-style: chr11-46395726-A-C.
Other names: c.1910A>C, p.Asn637Thr (NM_001105540.2); c.1346A>C, p.Asn449Thr (NM_001199266.2, NM_003646.4); c.1277A>C, p.Asn426Thr (NM_001199268.2); c.1394A>C, p.Asn465Thr (NM_201532.3); c.1358A>C, p.Asn453Thr (NM_201533.3); short protein forms N637T, N448T, N449T, N453T, N465T, N426T.
Identifiers: ClinVar variation 2696294 (VCV002696294.3), dbSNP rs746121390, ClinGen allele CA5962808.
Genomic context (GRCh38, chr11:46,374,176, plus strand): 5'-TGAGGCCCAGCCCTCATTTTGGTCCCTTGACCTTTTTCCAGTTGCCCCTGGATGTCTTCA[A>C]CAACTACTTCAGCCTGGGCTTTGACGCCCACGTCACCCTGGAGTTCCACGAGTCTCGAGG-3'
Protein context (NP_001186196.1, residues 438-458): ATDRLPLDVF[Asn448Thr]NYFSLGFDAH

ClinVar aggregate classification (germline): Uncertain significance (1 of 4 stars; one submission).

gnomAD v4.1: 10 of 1,614,222 alleles (0.00062%); highest among the groups gnomAD compares: Non-Finnish European, 0.00076%; no homozygotes.

Submission:

Labcorp Genetics (formerly Invitae), Labcorp
Classification: Uncertain significance. Last evaluated: 2023-11-24. Review status: criteria provided, single submitter. Criteria: Invitae Variant Classification Sherloc (09022015). Collection method: clinical testing. Allele origin: germline.
Comment: This sequence change replaces asparagine, which is neutral and polar, with threonine, which is neutral and polar, at codon 637 of the DGKZ protein (p.Asn637Thr). This variant is present in population databases (rs746121390, gnomAD 0.004%). This variant has not been reported in the literature in individuals affected with DGKZ-related conditions. An algorithm developed to predict the effect of missense changes on protein structure and function (PolyPhen-2) suggests that this variant is likely to be disruptive. In summary, the available evidence is currently insufficient to determine the role of this variant in disease. Therefore, it has been classified as a Variant of Uncertain Significance.